The following is an entry in ClinVar:

ClinVar aggregate classification (germline): Uncertain significance (1 of 4 stars; one submission).

Conditions:
Familial temporal lobe epilepsy 7. Identifiers: Orphanet 101046, MedGen C4225327, MONDO:0014639, OMIM 616436.
Norman-Roberts syndrome (LIS2). Also called: Lissencephaly 2 (Norman-Roberts type). Identifiers: Orphanet 89844, MedGen C0796089, MONDO:0009760, OMIM 257320.

Submission:

Labcorp Genetics (formerly Invitae), Labcorp
Classification: Uncertain significance for Familial temporal lobe epilepsy 7; Norman-Roberts syndrome. Last evaluated: 2022-12-15. Review status: criteria provided, single submitter. Criteria: Invitae Variant Classification Sherloc (09022015). Collection method: clinical testing. Allele origin: germline.
Comment: This variant has not been reported in the literature in individuals affected with RELN-related conditions. This sequence change replaces proline, which is neutral and non-polar, with leucine, which is neutral and non-polar, at codon 529 of the RELN protein (p.Pro529Leu). This variant is not present in population databases (gnomAD no frequency). Advanced modeling of protein sequence and biophysical properties (such as structural, functional, and spatial information, amino acid conservation, physicochemical variation, residue mobility, and thermodynamic stability) performed at Invitae indicates that this missense variant is not expected to disrupt RELN protein function. In summary, the available evidence is currently insufficient to determine the role of this variant in disease. Therefore, it has been classified as a Variant of Uncertain Significance.

NM_005045.4(RELN):c.1586C>T (p.Pro529Leu)

Gene: RELN (reelin; minus strand). Cytogenetic location: 7q22.1.
Variant type: single nucleotide variant.
Coding change: c.1586C>T on transcript NM_005045.4 (MANE Select); coding-DNA position 1586, C replaced by T.
Protein change: p.Pro529Leu; replaces proline 529 with leucine.
Molecular consequence: missense variant.
Genome position (GRCh38, 1-based): chr7:103,652,728, G>A on the plus strand (C>T on the coding strand, the complement: RELN is on the minus strand). VCF-style: chr7-103652728-G-A. GRCh37 (hg19) VCF-style: chr7-103293175-G-A.
Other names: c.1586C>T, p.Pro529Leu (NM_173054.3); short protein forms P529L.
Identifiers: ClinVar variation 2942334 (VCV002942334.3), dbSNP rs2484840702, ClinGen allele CA368765951.